The following is an entry in ClinVar:

NM_006580.4(CLDN16):c.77C>T (p.Thr26Ile)

Gene: CLDN16 (claudin 16; plus strand). Cytogenetic location: 3q28.
Variant type: single nucleotide variant.
Coding change: c.77C>T on transcript NM_006580.4 (MANE Select); coding-DNA position 77, C replaced by T.
Protein change: p.Thr26Ile; replaces threonine 26 with isoleucine.
Molecular consequence: missense variant.
Genome position (GRCh38, 1-based): chr3:190,388,406, C>T. VCF-style: chr3-190388406-C-T. GRCh37 (hg19) VCF-style: chr3-190106195-C-T.
Other names: c.77C>T, p.Thr26Ile (NM_001378492.1, NM_001378493.1); short protein forms T26I.
Identifiers: ClinVar variation 3068335 (VCV003068335.1), dbSNP rs2473775106, ClinGen allele CA355762702.

ClinVar aggregate classification (germline): Uncertain significance (1 of 4 stars; one submission).

Conditions:
Primary hypomagnesemia (HOMG3). Also called: HYPOMAGNESEMIA 3, RENAL; HYPOMAGNESEMIA, FAMILIAL, WITH HYPERCALCIURIA AND NEPHROCALCINOSIS; HYPOMAGNESEMIA, ISOLATED RENAL; HYPOMAGNESEMIA, PRIMARY, DUE TO DEFECT IN RENAL TUBULAR TRANSPORT OF MAGNESIUM. Identifiers: Orphanet 31043, MedGen C0268448, MONDO:0009550, OMIM 248250.

Submission:

MVZ Medizinische Genetik Mainz
Classification: Uncertain significance for Primary hypomagnesemia. Last evaluated: 2022-07-20. Review status: criteria provided, single submitter. Criteria: UK Practice Guidelines For Variant Classification V4 01 2020. Collection method: clinical testing. Allele origin: germline. Inheritance: Autosomal recessive inheritance. Affected: yes. Observed: 1 variant allele.
Comment: ACMG Criteria: PM2_SUP, PM3_SUP, PP3, PP4